The following is an entry in ClinVar:

NM_015311.3(OBSL1):c.4334G>A (p.Arg1445Gln)

Gene: OBSL1 (obscurin like cytoskeletal adaptor 1; minus strand). Cytogenetic location: 2q35.
Variant type: single nucleotide variant.
Coding change: c.4334G>A on transcript NM_015311.3 (MANE Select); coding-DNA position 4334, G replaced by A.
Protein change: p.Arg1445Gln; replaces arginine 1445 with glutamine.
Molecular consequence: missense variant.
Genome position (GRCh38, 1-based): chr2:219,556,456, C>T on the plus strand (G>A on the coding strand, the complement: OBSL1 is on the minus strand). VCF-style: chr2-219556456-C-T. GRCh37 (hg19) VCF-style: chr2-220421178-C-T.
Other names: c.4334G>A, p.Arg1445Gln (NM_001173431.2); short protein forms R1445Q.
Identifiers: ClinVar variation 334477 (VCV000334477.10), dbSNP rs372036582, ClinGen allele CA2130598.

ClinVar aggregate classification (germline): Uncertain significance. Review status: criteria provided, multiple submitters, no conflicts (2 of 4 stars). 3 submissions from 3 submitters: Uncertain significance (3). Last evaluated 2024-08-04.

Conditions:
Inborn genetic diseases. Identifiers: MedGen C0950123, MeSH D030342.
3M syndrome 2. Also called: 3-M Syndrome, OBSL1-Related; THREE M SYNDROME 2. Identifiers: Orphanet 2616, MedGen C2752041, MONDO:0013039, OMIM 612921.

Allele frequency attached by ClinVar (database versions not stated): ExAC 0.00001; gnomAD 0.00002; gnomAD exomes 0.00002; TOPMed 0.00003; ESP Exome Variant Server 0.00008.

Submissions (3):

Ambry Genetics
Classification: Uncertain significance for Inborn genetic diseases. Last evaluated: 2024-08-04. Review status: criteria provided, single submitter. Criteria: Ambry Variant Classification Scheme 2023. Collection method: clinical testing. Allele origin: germline.

Labcorp Genetics (formerly Invitae), Labcorp
Classification: Uncertain significance. Last evaluated: 2022-06-27. Review status: criteria provided, single submitter. Criteria: Invitae Variant Classification Sherloc (09022015). Collection method: clinical testing. Allele origin: germline.
Comment: This sequence change replaces arginine, which is basic and polar, with glutamine, which is neutral and polar, at codon 1445 of the OBSL1 protein (p.Arg1445Gln). This variant is present in population databases (rs372036582, gnomAD 0.01%). This variant has not been reported in the literature in individuals affected with OBSL1-related conditions. ClinVar contains an entry for this variant (Variation ID: 334477). Algorithms developed to predict the effect of missense changes on protein structure and function (SIFT, PolyPhen-2, Align-GVGD) all suggest that this variant is likely to be tolerated. In summary, the available evidence is currently insufficient to determine the role of this variant in disease. Therefore, it has been classified as a Variant of Uncertain Significance.

Illumina Laboratory Services, Illumina
Classification: Uncertain significance for 3M syndrome 2. Last evaluated: 2018-01-13. Review status: criteria provided, single submitter. Criteria: ICSL Variant Classification Criteria 13 December 2019. Collection method: clinical testing. Allele origin: germline.